The following is an entry in ClinVar:

ClinVar aggregate classification (germline): Conflicting classifications of pathogenicity. Review status: criteria provided, conflicting classifications (1 of 4 stars). 3 submissions from 3 submitters: Uncertain significance (2); Likely benign (1). Last evaluated 2024-11-19.

Allele frequency attached by ClinVar (database versions not stated): TOPMed 0.00002; gnomAD 0.00004; gnomAD exomes 0.00004; ExAC 0.00005.
gnomAD v4.1: 60 of 1,611,290 alleles (0.0037%); highest among the groups gnomAD compares: Admixed American, 0.005%; no homozygotes.

Submissions (3):

Blueprint Genetics
Classification: Likely benign. Last evaluated: 2024-11-19. Review status: criteria provided, single submitter. Criteria: ACMG Guidelines, 2015. Collection method: clinical testing. Allele origin: germline.

GeneDx
Classification: Uncertain significance. Last evaluated: 2024-08-26. Review status: criteria provided, single submitter. Criteria: GeneDx Variant Classification Process June 2021. Collection method: clinical testing. Allele origin: germline. Affected: yes.
Comment: Not observed at significant frequency in large population cohorts (gnomAD); In silico analysis indicates that this missense variant does not alter protein structure/function; Has not been previously published as pathogenic or benign to our knowledge

Labcorp Genetics (formerly Invitae), Labcorp
Classification: Uncertain significance. Last evaluated: 2022-07-06. Review status: criteria provided, single submitter. Criteria: Invitae Variant Classification Sherloc (09022015). Collection method: clinical testing. Allele origin: germline.
Comment: This sequence change replaces aspartic acid, which is acidic and polar, with glutamic acid, which is acidic and polar, at codon 211 of the CDH23 protein (p.Asp211Glu). This variant is present in population databases (rs764515216, gnomAD 0.006%). This variant has not been reported in the literature in individuals affected with CDH23-related conditions. ClinVar contains an entry for this variant (Variation ID: 1407717). Algorithms developed to predict the effect of missense changes on protein structure and function are either unavailable or do not agree on the potential impact of this missense change (SIFT: "Tolerated"; PolyPhen-2: "Not Available"; Align-GVGD: "Class C0"). In summary, the available evidence is currently insufficient to determine the role of this variant in disease. Therefore, it has been classified as a Variant of Uncertain Significance.

NM_022124.6(CDH23):c.633C>A (p.Asp211Glu)

Gene: CDH23 (cadherin related 23; plus strand). Cytogenetic location: 10q22.1.
Variant type: single nucleotide variant.
Coding change: c.633C>A on transcript NM_022124.6 (MANE Select); coding-DNA position 633, C replaced by A.
Protein change: p.Asp211Glu; replaces aspartic acid 211 with glutamic acid.
Molecular consequence: missense variant.
Genome position (GRCh38, 1-based): chr10:71,570,798, C>A. VCF-style: chr10-71570798-C-A. GRCh37 (hg19) VCF-style: chr10-73330555-C-A.
Other names: c.633C>A, p.Asp211Glu (NM_001171930.2, NM_001171931.2, NM_001171932.2 and 1 more transcripts); c.633C>A (NM_022124.5); short protein forms D211E.
Identifiers: ClinVar variation 1407717 (VCV001407717.5), dbSNP rs764515216, ClinGen allele CA5543513.
Genomic context (GRCh38, chr10:71,570,798, plus strand): 5'-GTGTCCCCACCATCACTCAACCTAAGGCTGTGTGTTCTCTCCGCTCTCTAAGGATCAAGA[C>A]AAGACCAGGCCTCTGTCCACCCTGGCCAACTTGGCCATCATCATCACAGATGTCCAGGAC-3'
Protein context (NP_071407.4, residues 201-221): YQLTVNATDQ[Asp211Glu]KTRPLSTLAN